The following is an entry in ClinVar:

NM_018668.5(VPS33B):c.1015C>T (p.Arg339Cys)

Gene: VPS33B (VPS33B late endosome and lysosome associated; minus strand). Cytogenetic location: 15q26.1.
Variant type: single nucleotide variant.
Coding change: c.1015C>T on transcript NM_018668.5 (MANE Select); coding-DNA position 1015, C replaced by T.
Protein change: p.Arg339Cys; replaces arginine 339 with cysteine.
Molecular consequence: missense variant.
Genome position (GRCh38, 1-based): chr15:91,005,709, G>A on the plus strand (C>T on the coding strand, the complement: VPS33B is on the minus strand). VCF-style: chr15-91005709-G-A. GRCh37 (hg19) VCF-style: chr15-91548939-G-A.
Other names: c.934C>T, p.Arg312Cys (NM_001289148.1); c.742C>T, p.Arg248Cys (NM_001289149.1); c.1015C>T (NM_018668.3); short protein forms R312C, R339C, R248C.
Identifiers: ClinVar variation 2191167 (VCV002191167.4), dbSNP rs140237411, ClinGen allele CA7744834.
Genomic context (GRCh38, chr15:91,005,709, plus strand): 5'-AGGGACACAGTCACTTCCCCTCACGCCCCTCAAGCTGAAACCTACGGAGACTCAGCAGGC[G>A]GTGCTCCTGTTTCAGGCCCTTGAGCTCCTGGGACACGAAATTCTTCATCTGCTTAATGTC-3'
Protein context (NP_061138.3, residues 329-349): QELKGLKQEH[Arg339Cys]LLSLHIGACE

ClinVar aggregate classification (germline): Uncertain significance. Review status: criteria provided, multiple submitters, no conflicts (2 of 4 stars). 3 submissions from 3 submitters: Uncertain significance (3). Last evaluated 2023-04-06.

Conditions:
Inborn genetic diseases. Identifiers: MedGen C0950123, MeSH D030342.
VPS33B-related disorder. Also called: VPS33B-related condition.

gnomAD v4.1: 32 of 1,613,954 alleles (0.002%); highest among the groups gnomAD compares: Non-Finnish European, 0.0026%; no homozygotes.

Submissions (3):

PreventionGenetics, part of Exact Sciences
Classification: Uncertain significance for VPS33B-related condition. Last evaluated: 2023-04-06. Review status: criteria provided, single submitter. Criteria: ACMG Guidelines, 2015. Collection method: clinical testing. Allele origin: germline.
Comment: The VPS33B c.1015C>T variant is predicted to result in the amino acid substitution p.Arg339Cys. To our knowledge, this variant has not been reported in the literature. This variant is reported in 0.0026% of alleles in individuals of European (Non-Finnish) descent in gnomAD. At this time, the clinical significance of this variant is uncertain due to the absence of conclusive functional and genetic evidence.

Ambry Genetics
Classification: Uncertain significance for Inborn genetic diseases. Last evaluated: 2022-11-17. Review status: criteria provided, single submitter. Criteria: Ambry Variant Classification Scheme 2023. Collection method: clinical testing. Allele origin: germline.

Labcorp Genetics (formerly Invitae), Labcorp
Classification: Uncertain significance. Last evaluated: 2022-08-19. Review status: criteria provided, single submitter. Criteria: Invitae Variant Classification Sherloc (09022015). Collection method: clinical testing. Allele origin: germline.
Comment: In summary, the available evidence is currently insufficient to determine the role of this variant in disease. Therefore, it has been classified as a Variant of Uncertain Significance. Algorithms developed to predict the effect of missense changes on protein structure and function are either unavailable or do not agree on the potential impact of this missense change (SIFT: "Not Available"; PolyPhen-2: "Probably Damaging"; Align-GVGD: "Not Available"). This variant has not been reported in the literature in individuals affected with VPS33B-related conditions. This variant is present in population databases (rs140237411, gnomAD 0.002%). This sequence change replaces arginine, which is basic and polar, with cysteine, which is neutral and slightly polar, at codon 339 of the VPS33B protein (p.Arg339Cys).